The following is an entry in ClinVar:

ClinVar aggregate classification (germline): Uncertain significance. Review status: criteria provided, multiple submitters, no conflicts (2 of 4 stars). 2 submissions from 2 submitters: Uncertain significance (2). Last evaluated 2026-08-13.

Conditions:
Inborn genetic diseases. Identifiers: MedGen C0950123, MeSH D030342.

Submissions (2):

Ambry Genetics
Classification: Uncertain significance for Inborn genetic diseases. Last evaluated: 2026-08-13. Review status: criteria provided, single submitter. Criteria: Ambry Variant Classification Scheme 2023. Collection method: clinical testing. Allele origin: germline.

Women's Health and Genetics/Laboratory Corporation of America, LabCorp
Classification: Uncertain significance. Last evaluated: 2024-12-03. Review status: criteria provided, single submitter. Criteria: LabCorp Variant Classification Summary - May 2015. Collection method: clinical testing. Allele origin: germline.
Comment: Variant summary: PKD2 c.1037A>G (p.Asp346Gly) results in a non-conservative amino acid change located in the Polycystin domain (IPR046791) of the encoded protein sequence. Three of five in-silico tools predict a benign effect of the variant on protein function. The variant was absent in 251160 control chromosomes. The available data on variant occurrences in the general population are insufficient to allow any conclusion about variant significance. To our knowledge, no occurrence of c.1037A>G in individuals affected with Polycystic Kidney Disease 2 and no experimental evidence demonstrating its impact on protein function have been reported. No submitters have cited clinical-significance assessments for this variant to ClinVar. Based on the evidence outlined above, the variant was classified as uncertain significance.

NM_000297.4(PKD2):c.1037A>G (p.Asp346Gly)

Gene: PKD2 (polycystin 2, transient receptor potential cation channel; plus strand). Cytogenetic location: 4q22.1.
Variant type: single nucleotide variant.
Coding change: c.1037A>G on transcript NM_000297.4 (MANE Select); coding-DNA position 1037, A replaced by G.
Protein change: p.Asp346Gly; replaces aspartic acid 346 with glycine.
Molecular consequence: missense variant. On other transcripts: non-coding transcript variant (1).
Genome position (GRCh38, 1-based): chr4:88,038,444, A>G. VCF-style: chr4-88038444-A-G. GRCh37 (hg19) VCF-style: chr4-88959596-A-G.
Other names: c.1037A>G (NM_000297.3); short protein forms D346G.
Identifiers: ClinVar variation 3768331 (VCV003768331.2).